The following is an entry in ClinVar:

NM_000179.3(MSH6):c.3172+8T>G

Gene: MSH6 (mutS homolog 6; plus strand). Cytogenetic location: 2p16.3.
Variant type: single nucleotide variant.
Coding change: c.3172+8T>G on transcript NM_000179.3 (MANE Select); 8 bases into the intron after coding-DNA position 3172, T replaced by G.
Molecular consequence: intron variant.
Genome position (GRCh38, 1-based): chr2:47,801,163, T>G. VCF-style: chr2-47801163-T-G. GRCh37 (hg19) VCF-style: chr2-48028302-T-G.
Other names: c.2266+8T>G (NM_001281493.2, NM_001281494.2); c.2782+8T>G (NM_001281492.2).
Identifiers: ClinVar variation 491927 (VCV000491927.13), dbSNP rs984296149, ClinGen allele CA46713093.

ClinVar aggregate classification (germline): Likely benign. Review status: criteria provided, multiple submitters, no conflicts (2 of 4 stars). 4 submissions from 4 submitters: Likely benign (4). Last evaluated 2025-09-16.

Conditions:
Lynch syndrome. Identifiers: Orphanet 144, MedGen C4552100, MONDO:0005835. Disease mechanism: loss of function.
Lynch syndrome 5 (LYNCH5). Also called: Colorectal cancer, hereditary nonpolyposis, type 5; Hereditary non-polyposis colorectal cancer, type 5. Identifiers: Orphanet 144, MedGen C1833477, MONDO:0013710, OMIM 614350. Disease mechanism: loss of function.
Hereditary nonpolyposis colorectal neoplasms. Identifiers: MedGen C0009405, MeSH D003123.
Hereditary cancer-predisposing syndrome. Also called: Hereditary neoplastic syndrome; Tumor predisposition; Hereditary Cancer Syndrome; Neoplastic Syndromes, Hereditary. Identifiers: Orphanet 140162, MedGen C0027672, MeSH D009386, MONDO:0015356.

Allele frequency attached by ClinVar (database versions not stated): gnomAD exomes below 0.00001.
gnomAD v4.1: 3 of 1,608,074 alleles (0.00019%); highest among the groups gnomAD compares: East Asian, 0.0045%; no homozygotes.

Submissions (4):

Labcorp Genetics (formerly Invitae), Labcorp
Classification: Likely benign for Hereditary nonpolyposis colorectal neoplasms. Last evaluated: 2025-09-16. Review status: criteria provided, single submitter. Criteria: Invitae Variant Classification Sherloc (09022015). Collection method: clinical testing. Allele origin: germline.

Myriad Genetics, Inc.
Classification: Likely benign for Lynch syndrome 5. Last evaluated: 2025-01-03. Review status: criteria provided, single submitter. Criteria: Myriad Autosomal Dominant, Autosomal Recessive and X-Linked Classification Criteria (2023). Collection method: clinical testing. Allele origin: unknown.
Comment: This variant is considered likely benign. This variant is intronic and is not expected to impact mRNA splicing.

Department of Pathology and Laboratory Medicine, Sinai Health System
Classification: Likely benign for Lynch syndrome. Last evaluated: 2021-05-07. Review status: criteria provided, single submitter. Criteria: ACMG Guidelines, 2015. Collection method: clinical testing. Allele origin: germline. Affected: yes.

Color Diagnostics, LLC DBA Color Health
Classification: Likely benign for Hereditary cancer-predisposing syndrome. Last evaluated: 2016-10-31. Review status: criteria provided, single submitter. Criteria: ACMG Guidelines, 2015. Collection method: clinical testing. Allele origin: germline.